The following is an entry in ClinVar:

NM_016277.5(RAB23):c.530T>C (p.Ile177Thr)

Gene: RAB23 (RAB23, member RAS oncogene family; minus strand). Cytogenetic location: 6p12.1.
Variant type: single nucleotide variant.
Coding change: c.530T>C on transcript NM_016277.5 (MANE Select); coding-DNA position 530, T replaced by C.
Protein change: p.Ile177Thr; replaces isoleucine 177 with threonine.
Molecular consequence: missense variant. On other transcripts: non-coding transcript variant (1).
Genome position (GRCh38, 1-based): chr6:57,193,886, A>G on the plus strand (T>C on the coding strand, the complement: RAB23 is on the minus strand). VCF-style: chr6-57193886-A-G. GRCh37 (hg19) VCF-style: chr6-57058684-A-G.
Other names: c.530T>C, p.Ile177Thr (NM_001278666.2, NM_001278667.2, NM_001278668.2 and 1 more transcripts); short protein forms I177T.
Identifiers: ClinVar variation 3348520 (VCV003348520.1).

ClinVar aggregate classification (germline): Uncertain significance (0 of 4 stars; one submission).

Conditions:
RAB23-related disorder. Also called: RAB23-related condition.

gnomAD v4.1: 2 of 1,612,826 alleles (0.00012%); highest among the groups gnomAD compares: Admixed American, 0.0017%; no homozygotes.

Submission:

PreventionGenetics, part of Exact Sciences
Classification: Uncertain significance for RAB23-related condition. Last evaluated: 2024-03-23. Review status: no assertion criteria provided. Collection method: clinical testing. Allele origin: germline.
Comment: The RAB23 c.530T>C variant is predicted to result in the amino acid substitution p.Ile177Thr. To our knowledge, this variant has not been reported in the literature. This variant is reported in 0.00088% of alleles in individuals of European (Non-Finnish) descent in gnomAD. At this time, the clinical significance of this variant is uncertain due to the absence of conclusive functional and genetic evidence.